The following is an entry in ClinVar:

ClinVar aggregate classification (germline): Uncertain significance (1 of 4 stars; one submission).

Conditions:
Intellectual developmental disorder, autosomal dominant 56. Also called: MENTAL RETARDATION, AUTOSOMAL DOMINANT 56; Intellectual disability, autosomal dominant 56. Identifiers: MedGen C4693389, MONDO:0030922, OMIM 617854.

Submission:

Institute of Human Genetics, University of Leipzig Medical Center
Classification: Uncertain significance for Intellectual developmental disorder, autosomal dominant 56. Last evaluated: 2025-03-04. Review status: criteria provided, single submitter. Criteria: ACMG Guidelines, 2015. Collection method: clinical testing. Allele origin: unknown. Inheritance: Autosomal dominant inheritance. Affected: yes.
Comment: Criteria applied: PM2,PP2,PP3

NM_004859.4(CLTC):c.4790C>T (p.Pro1597Leu)

Gene: CLTC (clathrin heavy chain; plus strand). Cytogenetic location: 17q23.1.
Variant type: single nucleotide variant.
Coding change: c.4790C>T on transcript NM_004859.4 (MANE Select); coding-DNA position 4790, C replaced by T.
Protein change: p.Pro1597Leu; replaces proline 1597 with leucine.
Molecular consequence: missense variant.
Genome position (GRCh38, 1-based): chr17:59,685,771, C>T. VCF-style: chr17-59685771-C-T. GRCh37 (hg19) VCF-style: chr17-57763132-C-T.
Other names: c.4802C>T, p.Pro1601Leu (NM_001288653.2); short protein forms P1597L, P1601L.
Identifiers: ClinVar variation 3385401 (VCV003385401.3).
Genomic context (GRCh38, chr17:59,685,771, plus strand): 5'-TAAGGCCAGATGTCGTCCTAGAAACTGCATGGAGGCACAATATCATGGATTTTGCCATGC[C>T]CTATTTCATCCAGGTCATGAAGGAGTACTTGACAAAGGTAATGACTCTTCTAAGTGTATT-3'
Protein context (NP_004850.1, residues 1587-1607): WRHNIMDFAM[Pro1597Leu]YFIQVMKEYL